The following is an entry in ClinVar:

NM_005591.4(MRE11):c.1499A>G (p.Glu500Gly)

Gene: MRE11 (MRE11 double strand break repair nuclease; minus strand). Cytogenetic location: 11q21.
Variant type: single nucleotide variant.
Coding change: c.1499A>G on transcript NM_005591.4 (MANE Select); coding-DNA position 1499, A replaced by G.
Protein change: p.Glu500Gly; replaces glutamic acid 500 with glycine.
Molecular consequence: missense variant.
Genome position (GRCh38, 1-based): chr11:94,459,409, T>C on the plus strand (A>G on the coding strand, the complement: MRE11 is on the minus strand). VCF-style: chr11-94459409-T-C. GRCh37 (hg19) VCF-style: chr11-94192575-T-C.
Other names: c.1499A>G, p.Glu500Gly (NM_001330347.2, NM_001440460.1, NM_001440461.1 and 15 more transcripts); c.1424A>G, p.Glu475Gly (NM_001440471.1, NM_001440472.1, NM_001440479.1); c.1418A>G, p.Glu473Gly (NM_001440473.1, NM_001440477.1, NM_001440478.1); c.1031A>G, p.Glu344Gly (NM_001440485.1, NM_001440486.1, NM_001440487.1); c.1154A>G, p.Glu385Gly (NM_001440482.1, NM_001440483.1, NM_001440484.1); short protein forms E344G, E475G, E500G, E385G, E473G.
Identifiers: ClinVar variation 4110075 (VCV004110075.1).

ClinVar aggregate classification (germline): Uncertain significance (1 of 4 stars; one submission).

Conditions:
Hereditary cancer-predisposing syndrome. Also called: Tumor predisposition; Neoplastic Syndromes, Hereditary; Hereditary neoplastic syndrome; Hereditary Cancer Syndrome. Identifiers: Orphanet 140162, MedGen C0027672, MeSH D009386, MONDO:0015356.

Submission:

Ambry Genetics
Classification: Uncertain significance for Hereditary cancer-predisposing syndrome. Last evaluated: 2025-06-28. Review status: criteria provided, single submitter. Criteria: Ambry Variant Classification Scheme 2023. Collection method: clinical testing. Allele origin: germline.
Comment: The p.E500G variant (also known as c.1499A>G), located in coding exon 12 of the MRE11A gene, results from an A to G substitution at nucleotide position 1499. The glutamic acid at codon 500 is replaced by glycine, an amino acid with similar properties. This amino acid position is conserved. In addition, the in silico prediction for this alteration is inconclusive. Based on the available evidence, the clinical significance of this variant remains unclear.